The following is an entry in ClinVar:

NM_000660.7(TGFB1):c.886C>G (p.Arg296Gly)

Gene: TGFB1 (transforming growth factor beta 1; minus strand). Cytogenetic location: 19q13.2.
Variant type: single nucleotide variant.
Coding change: c.886C>G on transcript NM_000660.7 (MANE Select); coding-DNA position 886, C replaced by G.
Protein change: p.Arg296Gly; replaces arginine 296 with glycine.
Molecular consequence: missense variant.
Genome position (GRCh38, 1-based): chr19:41,332,256, G>C on the plus strand (C>G on the coding strand, the complement: TGFB1 is on the minus strand). VCF-style: chr19-41332256-G-C. GRCh37 (hg19) VCF-style: chr19-41838161-G-C.
Other names: short protein forms R296G.
Identifiers: ClinVar variation 2745238 (VCV002745238.3), dbSNP rs1204546453, ClinGen allele CA405998663.
Genomic context (GRCh38, chr19:41,332,256, plus strand): 5'-CCTTGGGCTCGTGGATCCACTTCCAGCCGAGGTCCTTGCGGAAGTCAATGTACAGCTGCC[G>C]CACGCAGCAGTTCTTCTCCGTGGAGCTGCAGGCAGGAGAGACGCGTCAGGGGCAGGGAGG-3'
Protein context (NP_000651.3, residues 286-306): FSSTEKNCCV[Arg296Gly]QLYIDFRKDL

ClinVar aggregate classification (germline): Uncertain significance (1 of 4 stars; one submission).

Submission:

Labcorp Genetics (formerly Invitae), Labcorp
Classification: Uncertain significance. Last evaluated: 2023-07-19. Review status: criteria provided, single submitter. Criteria: Invitae Variant Classification Sherloc (09022015). Collection method: clinical testing. Allele origin: germline.
Comment: This variant is not present in population databases (gnomAD no frequency). In summary, the available evidence is currently insufficient to determine the role of this variant in disease. Therefore, it has been classified as a Variant of Uncertain Significance. Advanced modeling of protein sequence and biophysical properties (such as structural, functional, and spatial information, amino acid conservation, physicochemical variation, residue mobility, and thermodynamic stability) performed at Invitae indicates that this missense variant is expected to disrupt TGFB1 protein function. This variant has not been reported in the literature in individuals affected with TGFB1-related conditions. This sequence change replaces arginine, which is basic and polar, with glycine, which is neutral and non-polar, at codon 296 of the TGFB1 protein (p.Arg296Gly).